The following is an entry in ClinVar:

ClinVar aggregate classification (germline): Uncertain significance. Review status: criteria provided, multiple submitters, no conflicts (2 of 4 stars). 5 submissions from 5 submitters: Uncertain significance (5). Last evaluated 2026-09-13.

Conditions:
HNSHA due to aldolase A deficiency (GSD12). Also called: GLYCOGEN STORAGE DISEASE XII; RED CELL ALDOLASE DEFICIENCY; GSD XII; Glycogen storage disease due to aldolase A deficiency. Identifiers: Orphanet 57, MedGen C0272066, MONDO:0012747, OMIM 611881.
ALDOA-related disorder. Also called: ALDOA-related condition.

Allele frequency attached by ClinVar (database versions not stated): gnomAD 0.00003 and 0.00008; TOPMed 0.00006; gnomAD exomes 0.00008 and 0.00019; ESP Exome Variant Server 0.00015; ExAC 0.00023; 1000 Genomes Project 0.00040; 1000 Genomes Project 30x 0.00062.
gnomAD v4.1: 134 of 1,613,434 alleles (0.0083%); highest among the groups gnomAD compares: South Asian, 0.11%; 3 homozygotes.

Submissions (5):

PreventionGenetics, part of Exact Sciences
Classification: Uncertain significance for ALDOA-related condition. Last evaluated: 2026-09-13. Review status: criteria provided, single submitter. Criteria: ACMG Guidelines, 2015. Collection method: clinical testing. Allele origin: germline.
Comment: The ALDOA c.64C>T variant is predicted to result in the amino acid substitution p.Arg22Cys. To our knowledge, this variant has not been reported in the literature. This variant is reported in 0.13% of alleles in individuals of South Asian descent in gnomAD. Although we suspect that this variant may be benign, at this time, the clinical significance of this variant is uncertain due to the absence of conclusive functional and genetic evidence.

Revvity Omics, Revvity
Classification: Uncertain significance for HNSHA due to aldolase A deficiency. Last evaluated: 2024-12-21. Review status: criteria provided, single submitter. Criteria: ACMG Guidelines, 2015. Collection method: clinical testing. Allele origin: germline.

Mayo Clinic Laboratories, Mayo Clinic
Classification: Uncertain significance. Last evaluated: 2023-12-27. Review status: criteria provided, single submitter. Criteria: ACMG Guidelines, 2015. Collection method: clinical testing. Allele origin: germline. Observed: 1 variant allele.

Clinical Genetics Laboratory, Skane University Hospital Lund
Classification: Uncertain significance. Last evaluated: 2022-08-23. Review status: criteria provided, single submitter. Criteria: ACMG Guidelines, 2015. Collection method: clinical testing. Allele origin: germline. Affected: yes.

Labcorp Genetics (formerly Invitae), Labcorp
Classification: Uncertain significance for HNSHA due to aldolase A deficiency. Last evaluated: 2022-08-22. Review status: criteria provided, single submitter. Criteria: Invitae Variant Classification Sherloc (09022015). Collection method: clinical testing. Allele origin: germline.
Comment: This sequence change replaces arginine, which is basic and polar, with cysteine, which is neutral and slightly polar, at codon 22 of the ALDOA protein (p.Arg22Cys). This variant is present in population databases (rs145582724, gnomAD 0.1%). This variant has not been reported in the literature in individuals affected with ALDOA-related conditions. ClinVar contains an entry for this variant (Variation ID: 318826). Algorithms developed to predict the effect of missense changes on protein structure and function (SIFT, PolyPhen-2, Align-GVGD) all suggest that this variant is likely to be tolerated. In summary, the available evidence is currently insufficient to determine the role of this variant in disease. Therefore, it has been classified as a Variant of Uncertain Significance.

NM_001243177.4(ALDOA):c.226C>T (p.Arg76Cys)

Genes: ALDOA (aldolase, fructose-bisphosphate A; plus strand), LOC112694756 (uncharaterized LOC112694756; plus strand). Cytogenetic location: 16p11.2.
Variant type: single nucleotide variant.
Coding change: c.226C>T on transcript NM_001243177.4 (MANE Select); coding-DNA position 226, C replaced by T.
Protein change: p.Arg76Cys; replaces arginine 76 with cysteine.
Molecular consequence: missense variant. On other transcripts: 3 prime UTR variant (3).
Genome position (GRCh38, 1-based): chr16:30,067,318, C>T. VCF-style: chr16-30067318-C-T. GRCh37 (hg19) VCF-style: chr16-30078639-C-T.
Other names: NM_000034.3:c.64C>T; p.Arg22Cys; c.64C>T (NM_184041.4); c.*573C>T (NM_001365304.2, NM_001365305.2, NM_001365307.2); c.64C>T, p.Arg22Cys (NM_001127617.2, NM_184041.5, NM_184043.2); short protein forms R22C, R76C.
Identifiers: ClinVar variation 318826 (VCV000318826.10), dbSNP rs145582724, ClinGen allele CA8000855.